The following is an entry in ClinVar:

NM_000452.3(SLC10A2):c.664A>T (p.Ile222Phe)

Gene: SLC10A2 (solute carrier family 10 member 2; minus strand). Cytogenetic location: 13q33.1.
Variant type: single nucleotide variant.
Coding change: c.664A>T on transcript NM_000452.3 (MANE Select); coding-DNA position 664, A replaced by T.
Protein change: p.Ile222Phe; replaces isoleucine 222 with phenylalanine.
Molecular consequence: missense variant.
Genome position (GRCh38, 1-based): chr13:103,051,354, T>A on the plus strand (A>T on the coding strand, the complement: SLC10A2 is on the minus strand). VCF-style: chr13-103051354-T-A. GRCh37 (hg19) VCF-style: chr13-103703704-T-A.
Other names: short protein forms I222F.
Identifiers: ClinVar variation 3714308 (VCV003714308.2).

ClinVar aggregate classification (germline): Uncertain significance (1 of 4 stars; one submission).

Submission:

Labcorp Genetics (formerly Invitae), Labcorp
Classification: Uncertain significance. Last evaluated: 2024-09-21. Review status: criteria provided, single submitter. Criteria: Invitae Variant Classification Sherloc (09022015). Collection method: clinical testing. Allele origin: germline.
Comment: This sequence change replaces isoleucine, which is neutral and non-polar, with phenylalanine, which is neutral and non-polar, at codon 222 of the SLC10A2 protein (p.Ile222Phe). This variant is not present in population databases (gnomAD no frequency). This variant has not been reported in the literature in individuals affected with SLC10A2-related conditions. Invitae Evidence Modeling of protein sequence and biophysical properties (such as structural, functional, and spatial information, amino acid conservation, physicochemical variation, residue mobility, and thermodynamic stability) indicates that this missense variant is not expected to disrupt SLC10A2 protein function with a negative predictive value of 80%. In summary, the available evidence is currently insufficient to determine the role of this variant in disease. Therefore, it has been classified as a Variant of Uncertain Significance.